The following is an entry in ClinVar:

NM_020987.5(ANK3):c.11099G>A (p.Gly3700Asp)

Gene: ANK3 (ankyrin 3; minus strand). Cytogenetic location: 10q21.2.
Variant type: single nucleotide variant.
Coding change: c.11099G>A on transcript NM_020987.5 (MANE Select); coding-DNA position 11099, G replaced by A.
Protein change: p.Gly3700Asp; replaces glycine 3700 with aspartic acid.
Molecular consequence: missense variant. On other transcripts: intron variant (4).
Genome position (GRCh38, 1-based): chr10:60,069,782, C>T on the plus strand (G>A on the coding strand, the complement: ANK3 is on the minus strand). VCF-style: chr10-60069782-C-T. GRCh37 (hg19) VCF-style: chr10-61829540-C-T.
Other names: c.4388-1773G>A (NM_001204403.2); c.4409-1773G>A (NM_001204404.2); c.4406-1773G>A (NM_001320874.2); c.1808-1773G>A (NM_001149.4); short protein forms G3700D.
Identifiers: ClinVar variation 1353376 (VCV001353376.8), dbSNP rs149078894, ClinGen allele CA5511154.

ClinVar aggregate classification (germline): Uncertain significance (1 of 4 stars; one submission).

Allele frequency attached by ClinVar (database versions not stated): gnomAD exomes below 0.00001 and 0.00001; ExAC 0.00002; gnomAD 0.00003 and 0.00004; TOPMed 0.00007; ESP Exome Variant Server 0.00015.
gnomAD v4.1: 9 of 1,613,870 alleles (0.00056%); highest among the groups gnomAD compares: African/African-American, 0.0093%; no homozygotes.

Submission:

Labcorp Genetics (formerly Invitae), Labcorp
Classification: Uncertain significance. Last evaluated: 2023-07-17. Review status: criteria provided, single submitter. Criteria: Invitae Variant Classification Sherloc (09022015). Collection method: clinical testing. Allele origin: germline.
Comment: This sequence change replaces glycine, which is neutral and non-polar, with aspartic acid, which is acidic and polar, at codon 3700 of the ANK3 protein (p.Gly3700Asp). This variant is present in population databases (rs149078894, gnomAD 0.01%). This variant has not been reported in the literature in individuals affected with ANK3-related conditions. ClinVar contains an entry for this variant (Variation ID: 1353376). Advanced modeling of protein sequence and biophysical properties (such as structural, functional, and spatial information, amino acid conservation, physicochemical variation, residue mobility, and thermodynamic stability) performed at Invitae indicates that this missense variant is not expected to disrupt ANK3 protein function. In summary, the available evidence is currently insufficient to determine the role of this variant in disease. Therefore, it has been classified as a Variant of Uncertain Significance.